The following is an entry in ClinVar:

NM_005314.3(GRPR):c.244C>T (p.Leu82=)

Gene: GRPR (gastrin releasing peptide receptor; plus strand). Cytogenetic location: Xp22.2.
Variant type: single nucleotide variant.
Coding change: c.244C>T on transcript NM_005314.3 (MANE Select); coding-DNA position 244, C replaced by T.
Protein change: p.Leu82=; no amino-acid change (leucine 82 retained).
Molecular consequence: synonymous variant.
Genome position (GRCh38, 1-based): chrX:16,124,197, C>T. VCF-style: chrX-16124197-C-T. GRCh37 (hg19) VCF-style: chrX-16142320-C-T.
Identifiers: ClinVar variation 3771133 (VCV003771133.13).
Genomic context (GRCh38, chrX:16,124,197, plus strand): 5'-ATCAAGATCTTCTGTACAGTCAAGTCCATGCGAAACGTTCCAAACCTGTTCATTTCCAGT[C>T]TGGCTTTGGGAGACCTGCTCCTCCTAATAACGTGTGCTCCAGTGGATGCCAGCAGGTACC-3'
Protein context (NP_005305.1, residues 72-92): RNVPNLFISS[Leu82=]ALGDLLLLIT

ClinVar aggregate classification (germline): Uncertain significance (1 of 4 stars; one submission).

Submission:

CeGaT Center for Human Genetics Tuebingen
Classification: Uncertain significance. Last evaluated: 2025-01-01. Review status: criteria provided, single submitter. Criteria: CeGaT Center For Human Genetics Tuebingen Variant Classification Criteria Version 2. Collection method: clinical testing. Allele origin: germline. Affected: yes. Observed: 1 variant allele.
Comment: GRPR: PM2:Supporting, BP4